The following is an entry in ClinVar:

NM_000138.5(FBN1):c.2740T>A (p.Cys914Ser)

Gene: FBN1 (fibrillin 1; minus strand). Cytogenetic location: 15q21.1.
Variant type: single nucleotide variant.
Coding change: c.2740T>A on transcript NM_000138.5 (MANE Select); coding-DNA position 2740, T replaced by A.
Protein change: p.Cys914Ser; replaces cysteine 914 with serine.
Molecular consequence: missense variant.
Genome position (GRCh38, 1-based): chr15:48,492,575, A>T on the plus strand (T>A on the coding strand, the complement: FBN1 is on the minus strand). VCF-style: chr15-48492575-A-T. GRCh37 (hg19) VCF-style: chr15-48784772-A-T.
Other names: short protein forms C914S.
Identifiers: ClinVar variation 549110 (VCV000549110.3), dbSNP rs1555398994, ClinGen allele CA392330875.

ClinVar aggregate classification (germline): Pathogenic. Review status: criteria provided, single submitter (1 of 4 stars). 2 submissions from 2 submitters: Pathogenic (1). 1 of the submissions does not count toward it. Last evaluated 2024-08-06.

Conditions:
Familial thoracic aortic aneurysm and aortic dissection (TAAD). Also called: Thoracic aortic aneurysms and dissections. Identifiers: Orphanet 91387, MedGen C4707243, MONDO:0019625.
Marfan syndrome (MFS). Also called: Marfan syndrome type 1; Marfan syndrome, classic; Marfan's syndrome; FBN1-Related Marfan Syndrome; MARFAN SYNDROME, TYPE I. Identifiers: Orphanet 284963, Orphanet 558, MedGen C0024796, MONDO:0007947, OMIM 154700.

Submissions (2):

Labcorp Genetics (formerly Invitae), Labcorp
Classification: Pathogenic for Marfan syndrome; Familial thoracic aortic aneurysm and aortic dissection. Last evaluated: 2024-08-06. Review status: criteria provided, single submitter. Criteria: Invitae Variant Classification Sherloc (09022015). Collection method: clinical testing. Allele origin: germline.
Comment: This sequence change replaces cysteine, which is neutral and slightly polar, with serine, which is neutral and polar, at codon 914 of the FBN1 protein (p.Cys914Ser). This variant is not present in population databases (gnomAD no frequency). This missense change has been observed in individual(s) with Marfan syndrome (PMID: 19293843). ClinVar contains an entry for this variant (Variation ID: 549110). Advanced modeling of protein sequence and biophysical properties (such as structural, functional, and spatial information, amino acid conservation, physicochemical variation, residue mobility, and thermodynamic stability) performed at Invitae indicates that this missense variant is expected to disrupt FBN1 protein function with a positive predictive value of 95%. This variant affects a cysteine residue in the EGF-like, TGFBP or hybrid motif domains of FBN1. Cysteine residues are believed to be involved in intramolecular disulfide bridges and have been shown to be important for FBN1 protein structure (PMID: 16905551, 19349279). In addition, missense substitutions affecting cysteine residues within these domains are significantly overrepresented among patients with Marfan syndrome (PMID: 16571647, 17701892). This variant disrupts the p.Cys914 amino acid residue in FBN1. Other variant(s) that disrupt this residue have been observed in individuals with FBN1-related conditions (PMID: 27906200, 31730815, 34550612), which suggests that this may be a clinically significant amino acid residue. For these reasons, this variant has been classified as Pathogenic.

Center for Medical Genetics Ghent, University of Ghent
Classification: Likely pathogenic for Marfan syndrome. Last evaluated: 2017-11-07. Review status: no assertion criteria provided. Collection method: clinical testing. Allele origin: germline. Affected: yes. Not counted in ClinVar's aggregate classification.

Literature cited by the submitters: PubMed 19293843 (cited by Labcorp Genetics (formerly Invitae), Labcorp); PubMed 16905551 (cited by Labcorp Genetics (formerly Invitae), Labcorp); PubMed 19349279 (cited by Labcorp Genetics (formerly Invitae), Labcorp); PubMed 16571647 (cited by Labcorp Genetics (formerly Invitae), Labcorp); PubMed 17701892 (cited by Labcorp Genetics (formerly Invitae), Labcorp); PubMed 27906200 (cited by Labcorp Genetics (formerly Invitae), Labcorp); PubMed 31730815 (cited by Labcorp Genetics (formerly Invitae), Labcorp); PubMed 34550612 (cited by Labcorp Genetics (formerly Invitae), Labcorp).